The following is an entry in ClinVar:

NM_022455.5(NSD1):c.3868del (p.Gln1290fs)

Gene: NSD1 (nuclear receptor binding SET domain protein 1; plus strand). Cytogenetic location: 5q35.3.
Variant type: Deletion.
Coding change: c.3868del on transcript NM_022455.5 (MANE Select); coding-DNA position 3868, one base deleted (C; older notation c.3868delC).
Protein change: p.Gln1290fs; shifts the reading frame from glutamine 1290.
Molecular consequence: frameshift variant.
Genome position (GRCh38, 1-based): chr5:177,235,892, C deleted. VCF-style (leftmost placement, unchanged base first): chr5-177235891-TC-T. GRCh37 (hg19) VCF-style: chr5-176662892-TC-T.
Other names: c.2995delC, p.Gln999Argfs (NM_001365684.2, NM_001409306.1, NM_001409307.1 and 3 more transcripts); c.3868delC, p.Gln1290Argfs (NM_001409301.1, NM_001409302.1, NM_001409303.1); c.3448delC, p.Gln1150Argfs (NM_001409304.1); c.3115delC, p.Gln1039Argfs (NM_001409305.1); short protein forms Q1021fs, Q1290fs.
Identifiers: ClinVar variation 524705 (VCV000524705.7), dbSNP rs1554195302, ClinGen allele CA658796691.

ClinVar aggregate classification (germline): Pathogenic (1 of 4 stars; one submission).

Submission:

Labcorp Genetics (formerly Invitae), Labcorp
Classification: Pathogenic. Last evaluated: 2017-12-24. Review status: criteria provided, single submitter. Criteria: Invitae Variant Classification Sherloc (09022015). Collection method: clinical testing. Allele origin: germline.
Comment: This variant is not present in population databases (ExAC no frequency). For these reasons, this variant has been classified as Pathogenic. Loss-of-function variants in NSD1 are known to be pathogenic (PMID: 12464997, 14571271, 15942875, 16247291). This variant has not been reported in the literature in individuals with NSD1-related disease. This sequence change creates a premature translational stop signal (p.Gln1290Argfs*19) in the NSD1 gene. It is expected to result in an absent or disrupted protein product.

Literature cited by the submitters: PubMed 12464997; PubMed 14571271; PubMed 15942875; PubMed 16247291.